The following is an entry in ClinVar:

ClinVar aggregate classification (germline): Likely pathogenic (1 of 4 stars; one submission).

Submission:

Dasa
Classification: Likely pathogenic. Last evaluated: 2025-05-30. Review status: criteria provided, single submitter. Criteria: DASA Assertion Criteria. Collection method: clinical testing. Allele origin: germline.
Comment: NM_003221.4(TFAP2B):c.856G>T (p.Glu286*) is a nonsense variant in TFAP2B predicted to introduce a premature termination codon and is predicted to result in an absent or altered protein product. Loss of function is an established disease mechanism for TFAP2B (PMID: 21643846; PMID: 24507797; PMID: 15684060). Also, this variant is absent from population databases. Based on the currently available evidence, this variant is classified as likely pathogenic.

Literature cited by the submitters: PubMed 21643846; PubMed 24507797; PubMed 15684060.

NM_003221.4(TFAP2B):c.856G>T (p.Glu286Ter)

Gene: TFAP2B (transcription factor AP-2 beta; plus strand). Cytogenetic location: 6p12.3.
Variant type: single nucleotide variant.
Coding change: c.856G>T on transcript NM_003221.4 (MANE Select); coding-DNA position 856, G replaced by T.
Protein change: p.Glu286Ter; replaces glutamic acid 286 with a stop codon.
Molecular consequence: nonsense.
Genome position (GRCh38, 1-based): chr6:50,838,009, G>T. VCF-style: chr6-50838009-G-T. GRCh37 (hg19) VCF-style: chr6-50805722-G-T.
Other names: short protein forms E286*.
Identifiers: ClinVar variation 4884908 (VCV004884908.2).